The following is an entry in ClinVar:

ClinVar aggregate classification (germline): Uncertain significance. Review status: criteria provided, multiple submitters, no conflicts (2 of 4 stars). 2 submissions from 2 submitters: Uncertain significance (2). Last evaluated 2023-12-13.

Conditions:
Inborn genetic diseases. Identifiers: MedGen C0950123, MeSH D030342.

Allele frequency attached by ClinVar (database versions not stated): ExAC 0.00003; TOPMed 0.00003.
gnomAD v4.1: 15 of 1,613,818 alleles (0.00093%); highest among the groups gnomAD compares: Admixed American, 0.025%; no homozygotes.

Submissions (2):

Ambry Genetics
Classification: Uncertain significance for Inborn genetic diseases. Last evaluated: 2023-12-13. Review status: criteria provided, single submitter. Criteria: Ambry Variant Classification Scheme 2023. Collection method: clinical testing. Allele origin: germline.

GeneDx
Classification: Uncertain significance. Last evaluated: 2023-11-07. Review status: criteria provided, single submitter. Criteria: GeneDx Variant Classification Process June 2021. Collection method: clinical testing. Allele origin: germline. Affected: yes.
Comment: In silico analysis supports that this missense variant does not alter protein structure/function; Has not been previously published as pathogenic or benign to our knowledge

NM_018669.6(WDR4):c.347A>C (p.Lys116Thr)

Gene: WDR4 (WDR4 tRNA N7-guanosine methyltransferase non-catalytic subunit; minus strand). Cytogenetic location: 21q22.3.
Variant type: single nucleotide variant.
Coding change: c.347A>C on transcript NM_018669.6 (MANE Select); coding-DNA position 347, A replaced by C.
Protein change: p.Lys116Thr; replaces lysine 116 with threonine.
Molecular consequence: missense variant. On other transcripts: 5 prime UTR variant (3), non-coding transcript variant (1).
Genome position (GRCh38, 1-based): chr21:42,863,546, T>G on the plus strand (A>C on the coding strand, the complement: WDR4 is on the minus strand). VCF-style: chr21-42863546-T-G. GRCh37 (hg19) VCF-style: chr21-44283656-T-G.
Other names: c.347A>C, p.Lys116Thr (NM_001260474.2, NM_033661.5); c.-92A>C (NM_001260475.2, NM_001260476.2, NM_001260477.2 and 1 more transcripts); c.347A>C (NM_033661.4); short protein forms K116T.
Identifiers: ClinVar variation 3190032 (VCV003190032.2), dbSNP rs776654592, ClinGen allele CA10046160.
Genomic context (GRCh38, chr21:42,863,546, plus strand): 5'-CCGTGTGGCTCCAGCACCGAAAAGGAGTAGACGTCTCCAGACTTGTCGGCCACCAAGACC[T>G]TCTCCTCCGAGGCTATGAAAGTCAGGGCTGTACACCTCCTTGCCACGGTCCTAGAAGGCC-3'
Protein context (NP_061139.2, residues 106-126): TALTFIASEE[Lys116Thr]VLVADKSGDV